The following is an entry in ClinVar:

ClinVar aggregate classification (germline): Pathogenic/Likely pathogenic. Review status: criteria provided, multiple submitters, no conflicts (2 of 4 stars). 3 submissions from 3 submitters: Pathogenic (1); Likely pathogenic (1). 1 of the submissions does not count toward it. Last evaluated 2025-03-16.

Conditions:
Autosomal dominant nonsyndromic hearing loss 12. Also called: DEAFNESS, AUTOSOMAL DOMINANT 8. Identifiers: Orphanet 90635, MedGen C1832187, MONDO:0011102, OMIM 601543.

Allele frequency attached by ClinVar (database versions not stated): gnomAD exomes below 0.00001 and 0.00001; TOPMed below 0.00001; ExAC 0.00001.
gnomAD v4.1: 3 of 1,614,026 alleles (0.00019%); highest among the groups gnomAD compares: Non-Finnish European, 0.00025%; no homozygotes.

Submissions (3):

Labcorp Genetics (formerly Invitae), Labcorp
Classification: Pathogenic. Last evaluated: 2025-03-16. Review status: criteria provided, single submitter. Criteria: Invitae Variant Classification Sherloc (09022015). Collection method: clinical testing. Allele origin: germline.
Comment: This sequence change replaces cysteine, which is neutral and slightly polar, with serine, which is neutral and polar, at codon 1057 of the TECTA protein (p.Cys1057Ser). This variant is present in population databases (rs121909059, gnomAD 0.0009%). This missense change has been observed in individual(s) with autosomal dominant deafness (PMID: 10987647). It has also been observed to segregate with disease in related individuals. ClinVar contains an entry for this variant (Variation ID: 7016). Invitae Evidence Modeling of protein sequence and biophysical properties (such as structural, functional, and spatial information, amino acid conservation, physicochemical variation, residue mobility, and thermodynamic stability) has been performed for this missense variant. However, the output from this modeling did not meet the statistical confidence thresholds required to predict the impact of this variant on TECTA protein function. For these reasons, this variant has been classified as Pathogenic.

Molecular Diagnostics Laboratory, M Health Fairview: University of Minnesota
Classification: Likely pathogenic for Autosomal dominant nonsyndromic hearing loss 12. Last evaluated: 2023-04-05. Review status: criteria provided, single submitter. Criteria: ACMG Guidelines, 2015. Collection method: clinical testing. Allele origin: germline. Affected: yes.

OMIM
Classification: Pathogenic for DEAFNESS, AUTOSOMAL DOMINANT 12. Last evaluated: 1999-09-01. Review status: no assertion criteria provided. Collection method: literature only. Allele origin: germline. Not counted in ClinVar's aggregate classification.

Literature cited by the submitters: PubMed 10987647 (cited by Labcorp Genetics (formerly Invitae), Labcorp and OMIM).

NM_005422.4(TECTA):c.3169T>A (p.Cys1057Ser)

Genes: TBCEL-TECTA (TBCEL-TECTA readthrough; plus strand), TECTA (tectorin alpha; plus strand). Cytogenetic location: 11q23.3.
Variant type: single nucleotide variant.
Coding change: c.3169T>A on transcript NM_005422.4 (MANE Select); coding-DNA position 3169, T replaced by A.
Protein change: p.Cys1057Ser; replaces cysteine 1057 with serine.
Molecular consequence: missense variant.
Genome position (GRCh38, 1-based): chr11:121,137,648, T>A. VCF-style: chr11-121137648-T-A. GRCh37 (hg19) VCF-style: chr11-121008357-T-A.
Other names: c.4126T>A, p.Cys1376Ser (NM_001378761.1); short protein forms C1057S, C1376S.
Identifiers: ClinVar variation 7016 (VCV000007016.4), dbSNP rs121909059, ClinGen allele CA254067.
Genomic context (GRCh38, chr11:121,137,648, plus strand): 5'-GGCTGCAACTTTGAGGGGCACCAACTTGCCACCAATGAGACCTTCTGGGTGGACCTGGAC[T>A]GCCAGATCTTCTGCTATTGCAGTGGCACAGACAACAGGGTCCACTGCGAGACCATTCCCT-3'
Protein context (NP_005413.2, residues 1047-1067): TNETFWVDLD[Cys1057Ser]QIFCYCSGTD